The following is an entry in ClinVar:

NM_152490.5(B3GALNT2):c.85G>T (p.Ala29Ser)

Gene: B3GALNT2 (beta-1,3-N-acetylgalactosaminyltransferase 2; minus strand). Cytogenetic location: 1q42.3.
Variant type: single nucleotide variant.
Coding change: c.85G>T on transcript NM_152490.5 (MANE Select); coding-DNA position 85, G replaced by T.
Protein change: p.Ala29Ser; replaces alanine 29 with serine.
Molecular consequence: missense variant.
Genome position (GRCh38, 1-based): chr1:235,504,168, C>A on the plus strand (G>T on the coding strand, the complement: B3GALNT2 is on the minus strand). VCF-style: chr1-235504168-C-A. GRCh37 (hg19) VCF-style: chr1-235667468-C-A.
Other names: c.85G>T, p.Ala29Ser (NM_001277155.3); short protein forms A29S.
Identifiers: ClinVar variation 2004885 (VCV002004885.4), dbSNP rs2527423451, ClinGen allele CA344936649.

ClinVar aggregate classification (germline): Uncertain significance (1 of 4 stars; one submission).

Conditions:
Muscular dystrophy-dystroglycanopathy (congenital with brain and eye anomalies), type a, 11 (MDDGA11). Also called: Congenital muscular dystrophy-dystroglycanopathy with brain and eye anomalies, type A11; WALKER-WARBURG SYNDROME OR MUSCLE-EYE-BRAIN DISEASE, B3GALNT2-RELATED; Muscular dystrophy-dystroglycanopathy (congenital with brain and eye anomalies, type A, 11. Identifiers: Orphanet 588, Orphanet 899, MedGen C3554638, MONDO:0014071, OMIM 615181.

Submission:

Labcorp Genetics (formerly Invitae), Labcorp
Classification: Uncertain significance for Muscular dystrophy-dystroglycanopathy (congenital with brain and eye anomalies), type a, 11. Last evaluated: 2022-06-19. Review status: criteria provided, single submitter. Criteria: Invitae Variant Classification Sherloc (09022015). Collection method: clinical testing. Allele origin: germline.
Comment: In summary, the available evidence is currently insufficient to determine the role of this variant in disease. Therefore, it has been classified as a Variant of Uncertain Significance. Algorithms developed to predict the effect of missense changes on protein structure and function (SIFT, PolyPhen-2, Align-GVGD) all suggest that this variant is likely to be tolerated. This variant has not been reported in the literature in individuals affected with B3GALNT2-related conditions. This variant is not present in population databases (gnomAD no frequency). This sequence change replaces alanine, which is neutral and non-polar, with serine, which is neutral and polar, at codon 29 of the B3GALNT2 protein (p.Ala29Ser).